The following is an entry in ClinVar:

ClinVar aggregate classification (germline): Uncertain significance (1 of 4 stars; one submission).

Submission:

GeneDx
Classification: Uncertain significance. Last evaluated: 2022-01-31. Review status: criteria provided, single submitter. Criteria: GeneDx Variant Classification Process June 2021. Collection method: clinical testing. Allele origin: germline. Affected: yes.
Comment: Not observed at significant frequency in large population cohorts (gnomAD); In silico analysis supports that this missense variant has a deleterious effect on protein structure/function; Has not been previously published as pathogenic or benign to our knowledge

NM_000424.4(KRT5):c.43C>G (p.Arg15Gly)

Gene: KRT5 (keratin 5; minus strand). Cytogenetic location: 12q13.13.
Variant type: single nucleotide variant.
Coding change: c.43C>G on transcript NM_000424.4 (MANE Select); coding-DNA position 43, C replaced by G.
Protein change: p.Arg15Gly; replaces arginine 15 with glycine.
Molecular consequence: missense variant.
Genome position (GRCh38, 1-based): chr12:52,520,254, G>C on the plus strand (C>G on the coding strand, the complement: KRT5 is on the minus strand). VCF-style: chr12-52520254-G-C. GRCh37 (hg19) VCF-style: chr12-52914038-G-C.
Other names: short protein forms R15G.
Identifiers: ClinVar variation 1699839 (VCV001699839.2), dbSNP rs374322915, ClinGen allele CA384931365.